The following is an entry in ClinVar:

NM_001104631.2(PDE4D):c.2177G>A (p.Gly726Asp)

Gene: PDE4D (phosphodiesterase 4D; minus strand). Cytogenetic location: 5q11.2.
Variant type: single nucleotide variant.
Coding change: c.2177G>A on transcript NM_001104631.2 (MANE Select); coding-DNA position 2177, G replaced by A.
Protein change: p.Gly726Asp; replaces glycine 726 with aspartic acid.
Molecular consequence: missense variant.
Genome position (GRCh38, 1-based): chr5:58,974,917, C>T on the plus strand (G>A on the coding strand, the complement: PDE4D is on the minus strand). VCF-style: chr5-58974917-C-T. GRCh37 (hg19) VCF-style: chr5-58270744-C-T.
Other names: c.1271G>A, p.Gly424Asp (NM_001197221.2, NM_001364603.1); c.1505G>A, p.Gly502Asp (NM_001197222.2); c.1304G>A, p.Gly435Asp (NM_001197223.2); c.1964G>A, p.Gly655Asp (NM_001349241.2); c.1847G>A, p.Gly616Asp (NM_001349242.2); c.1409G>A, p.Gly470Asp (NM_001349243.2, NM_001364604.1); c.1994G>A, p.Gly665Asp (NM_001364599.1, NM_001165899.2); c.1769G>A, p.Gly590Asp (NM_006203.5); and 3 more; short protein forms G616D, G424D, G470D, G662D, G665D, G502D, G604D, G726D.
Identifiers: ClinVar variation 2809758 (VCV002809758.3), dbSNP rs2479155403, ClinGen allele CA359812969.

ClinVar aggregate classification (germline): Uncertain significance (1 of 4 stars; one submission).

Submission:

Labcorp Genetics (formerly Invitae), Labcorp
Classification: Uncertain significance. Last evaluated: 2023-11-14. Review status: criteria provided, single submitter. Criteria: Invitae Variant Classification Sherloc (09022015). Collection method: clinical testing. Allele origin: germline.
Comment: This sequence change replaces glycine, which is neutral and non-polar, with aspartic acid, which is acidic and polar, at codon 726 of the PDE4D protein (p.Gly726Asp). This variant is not present in population databases (gnomAD no frequency). This variant has not been reported in the literature in individuals affected with PDE4D-related conditions. Advanced modeling of protein sequence and biophysical properties (such as structural, functional, and spatial information, amino acid conservation, physicochemical variation, residue mobility, and thermodynamic stability) performed at Invitae indicates that this missense variant is not expected to disrupt PDE4D protein function with a negative predictive value of 80%. In summary, the available evidence is currently insufficient to determine the role of this variant in disease. Therefore, it has been classified as a Variant of Uncertain Significance.